The following is an entry in ClinVar:

ClinVar aggregate classification (germline): Benign (1 of 4 stars; one submission).

Allele frequency attached by ClinVar (database versions not stated): 1000 Genomes Project 0.03355; gnomAD 0.03383 and 0.03589; TOPMed 0.03638; 1000 Genomes Project 30x 0.03732.
gnomAD v4.1: 5,154 of 152,256 alleles (3.4%); highest among the groups gnomAD compares: African/African-American, 9.3%; 198 homozygotes.

Submission:

GeneDx
Classification: Benign. Last evaluated: 2018-06-20. Review status: criteria provided, single submitter. Criteria: GeneDx Variant Classification (06012015). Collection method: clinical testing. Allele origin: germline. Affected: yes.
Comment: This variant is considered likely benign or benign based on one or more of the following criteria: it is a conservative change, it occurs at a poorly conserved position in the protein, it is predicted to be benign by multiple in silico algorithms, and/or has population frequency not consistent with disease.

NM_004329.3(BMPR1A):c.333+332T>G

Gene: BMPR1A (bone morphogenetic protein receptor type 1A; plus strand). Cytogenetic location: 10q23.2.
Variant type: single nucleotide variant.
Coding change: c.333+332T>G on transcript NM_004329.3 (MANE Select); 332 bases into the intron after coding-DNA position 333, T replaced by G.
Molecular consequence: intron variant.
Genome position (GRCh38, 1-based): chr10:86,892,561, T>G. VCF-style: chr10-86892561-T-G. GRCh37 (hg19) VCF-style: chr10-88652318-T-G.
Identifiers: ClinVar variation 679739 (VCV000679739.1), dbSNP rs116222721, ClinGen allele CA13282842.
Genomic context (GRCh38, chr10:86,892,561, plus strand): 5'-GCTGCGATCTCCGCTCACTGCAACCTCAAGCCAGCCTCCTGCCTCAGCCTTCTGAATAGC[T>G]GAGACTACAGGTGCATGCCACTATACCTGGCTAATTTTTGTATTTTTTGTAGAGACAAGG-3'